The following is an entry in ClinVar:

NM_006922.4(SCN3A):c.3127A>C (p.Asn1043His)

Gene: SCN3A (sodium voltage-gated channel alpha subunit 3; minus strand). Cytogenetic location: 2q24.3.
Variant type: single nucleotide variant.
Coding change: c.3127A>C on transcript NM_006922.4 (MANE Select); coding-DNA position 3127, A replaced by C.
Protein change: p.Asn1043His; replaces asparagine 1043 with histidine.
Molecular consequence: missense variant.
Genome position (GRCh38, 1-based): chr2:165,127,897, T>G on the plus strand (A>C on the coding strand, the complement: SCN3A is on the minus strand). VCF-style: chr2-165127897-T-G. GRCh37 (hg19) VCF-style: chr2-165984407-T-G.
Other names: c.2980A>C, p.Asn994His (NM_001081676.2, NM_001081677.2); short protein forms N1043H, N994H.
Identifiers: ClinVar variation 1043527 (VCV001043527.8), dbSNP rs150421779, ClinGen allele CA349041054.
Genomic context (GRCh38, chr2:165,127,897, plus strand): 5'-AATTAAGCTCTTTGCTTATTTCAATTCCAGTATTATTGGACATGCAGCTGTCTATCTTAT[T>G]GCCTTCATGGATTTCTATAACTTTTGGCTTTCTAAAAAAGGCTTTTTGGAAACACTCCCG-3'
Protein context (NP_008853.3, residues 1033-1053): KPKVIEIHEG[Asn1043His]KIDSCMSNNT

ClinVar aggregate classification (germline): Uncertain significance (1 of 4 stars; one submission).

gnomAD v4.1: 4 of 1,614,230 alleles (0.00025%); highest among the groups gnomAD compares: Non-Finnish European, 0.00034%; no homozygotes.

Submission:

Labcorp Genetics (formerly Invitae), Labcorp
Classification: Uncertain significance. Last evaluated: 2020-08-02. Review status: criteria provided, single submitter. Criteria: Invitae Variant Classification Sherloc (09022015). Collection method: clinical testing. Allele origin: germline.
Comment: In summary, the available evidence is currently insufficient to determine the role of this variant in disease. Therefore, it has been classified as a Variant of Uncertain Significance. Algorithms developed to predict the effect of missense changes on protein structure and function are either unavailable or do not agree on the potential impact of this missense change (SIFT: "Deleterious"; PolyPhen-2: "Benign"; Align-GVGD: "Class C15"). This variant has not been reported in the literature in individuals with SCN3A-related conditions. This variant is not present in population databases (ExAC no frequency). This sequence change replaces asparagine with histidine at codon 1043 of the SCN3A protein (p.Asn1043His). The asparagine residue is highly conserved and there is a small physicochemical difference between asparagine and histidine.